The following is an entry in ClinVar:

NM_153033.5(KCTD7):c.292G>A (p.Asp98Asn)

Gene: KCTD7 (potassium channel tetramerization domain containing 7; plus strand). Cytogenetic location: 7q11.21.
Variant type: single nucleotide variant.
Coding change: c.292G>A on transcript NM_153033.5 (MANE Select); coding-DNA position 292, G replaced by A.
Protein change: p.Asp98Asn; replaces aspartic acid 98 with asparagine.
Molecular consequence: missense variant.
Genome position (GRCh38, 1-based): chr7:66,633,422, G>A. VCF-style: chr7-66633422-G-A. GRCh37 (hg19) VCF-style: chr7-66098409-G-A.
Other names: c.292G>A, p.Asp98Asn (NM_001167961.2); short protein forms D98N.
Identifiers: ClinVar variation 3113667 (VCV003113667.3), dbSNP rs1786501974, ClinGen allele CA367695734.

ClinVar aggregate classification (germline): Uncertain significance. Review status: criteria provided, multiple submitters, no conflicts (2 of 4 stars). 2 submissions from 2 submitters: Uncertain significance (2). Last evaluated 2024-05-24.

Conditions:
Inborn genetic diseases. Identifiers: MedGen C0950123, MeSH D030342.
Progressive myoclonic epilepsy type 3. Also called: EPILEPSY, PROGRESSIVE MYOCLONIC, 3, WITH OR WITHOUT INTRACELLULAR INCLUSIONS; CEROID LIPOFUSCINOSIS, NEURONAL, 14; EPILEPSY, PROGRESSIVE MYOCLONIC, 3, WITHOUT INTRACELLULAR INCLUSIONS; KCTD7-Related Progressive Myoclonic Epilepsy. Identifiers: Orphanet 263516, MedGen C2673257, MONDO:0012721, OMIM 611726.

Allele frequency attached by ClinVar (database versions not stated): gnomAD exomes below 0.00001; gnomAD 0.00001.

Submissions (2):

Labcorp Genetics (formerly Invitae), Labcorp
Classification: Uncertain significance for Progressive myoclonic epilepsy type 3. Last evaluated: 2024-05-24. Review status: criteria provided, single submitter. Criteria: Invitae Variant Classification Sherloc (09022015). Collection method: clinical testing. Allele origin: germline.
Comment: This sequence change replaces aspartic acid, which is acidic and polar, with asparagine, which is neutral and polar, at codon 98 of the KCTD7 protein (p.Asp98Asn). This variant is not present in population databases (gnomAD no frequency). This variant has not been reported in the literature in individuals affected with KCTD7-related conditions. Advanced modeling of protein sequence and biophysical properties (such as structural, functional, and spatial information, amino acid conservation, physicochemical variation, residue mobility, and thermodynamic stability) performed at Invitae indicates that this missense variant is expected to disrupt KCTD7 protein function with a positive predictive value of 80%. In summary, the available evidence is currently insufficient to determine the role of this variant in disease. Therefore, it has been classified as a Variant of Uncertain Significance.

Ambry Genetics
Classification: Uncertain significance for Inborn genetic diseases. Last evaluated: 2024-01-17. Review status: criteria provided, single submitter. Criteria: Ambry Variant Classification Scheme 2023. Collection method: clinical testing. Allele origin: germline.